The following is an entry in ClinVar:

ClinVar aggregate classification (germline): Conflicting classifications of pathogenicity. Review status: criteria provided, conflicting classifications (1 of 4 stars). 4 submissions from 4 submitters: Pathogenic (1); Likely pathogenic (1); Uncertain significance (2). Last evaluated 2024-08-19.

Submissions (4):

GeneDx
Classification: Likely pathogenic. Last evaluated: 2024-08-19. Review status: criteria provided, single submitter. Criteria: GeneDx Variant Classification Process June 2021. Collection method: clinical testing. Allele origin: germline. Affected: yes.
Comment: Identified as maternally inherited in a patient with musculoskeletal anomaly, but additional clinical information was not included (PMID: 36360262); Not observed at significant frequency in large population cohorts (gnomAD); In silico analysis supports that this missense variant has a deleterious effect on protein structure/function; This variant is associated with the following publications: (PMID: 36360262)

Labcorp Genetics (formerly Invitae), Labcorp
Classification: Uncertain significance. Last evaluated: 2022-05-22. Review status: criteria provided, single submitter. Criteria: Invitae Variant Classification Sherloc (09022015). Collection method: clinical testing. Allele origin: germline.
Comment: In summary, the available evidence is currently insufficient to determine the role of this variant in disease. Therefore, it has been classified as a Variant of Uncertain Significance. Algorithms developed to predict the effect of missense changes on protein structure and function are either unavailable or do not agree on the potential impact of this missense change (SIFT: "Deleterious"; PolyPhen-2: "Possibly Damaging"; Align-GVGD: "Class C0"). ClinVar contains an entry for this variant (Variation ID: 445504). This variant has not been reported in the literature in individuals affected with GNAS-related conditions. This variant is not present in population databases (gnomAD no frequency). This sequence change replaces valine, which is neutral and non-polar, with methionine, which is neutral and non-polar, at codon 117 of the GNAS protein (p.Val117Met).

Blueprint Genetics
Classification: Uncertain significance. Last evaluated: 2018-11-02. Review status: criteria provided, single submitter. Criteria: ACMG Guidelines, 2015. Collection method: clinical testing. Allele origin: germline.

Center for Pediatric Genomic Medicine, Children's Mercy Hospital and Clinics
Classification: Pathogenic. Last evaluated: 2017-03-31. Review status: criteria provided, single submitter. Criteria: ACMG Guidelines, 2015. Collection method: clinical testing. Allele origin: de novo.

NM_000516.7(GNAS):c.349G>A (p.Val117Met)

Gene: GNAS (GNAS complex locus; plus strand). Cytogenetic location: 20q13.32.
Variant type: single nucleotide variant.
Coding change: c.349G>A on transcript NM_000516.7 (MANE Select); coding-DNA position 349, G replaced by A.
Protein change: p.Val117Met; replaces valine 117 with methionine.
Molecular consequence: missense variant. On other transcripts: 3 prime UTR variant (2).
Genome position (GRCh38, 1-based): chr20:58,903,708, G>A. VCF-style: chr20-58903708-G-A. GRCh37 (hg19) VCF-style: chr20-57478763-G-A.
Other names: c.352G>A, p.Val118Met (NM_001077488.5); c.304G>A, p.Val102Met (NM_001077489.4); c.*210G>A (NM_001077490.3); c.172G>A, p.Val58Met (NM_001309840.2, NM_001309861.2); c.*255G>A (NM_016592.5); c.2278G>A, p.Val760Met (NM_080425.4); c.307G>A, p.Val103Met (NM_080426.4); short protein forms V118M, V58M, V102M, V103M, V117M, V760M.
Identifiers: ClinVar variation 445504 (VCV000445504.11), dbSNP rs1555889031, ClinGen allele CA409450425.